The following is an entry in ClinVar:

NM_001379403.1(WDR26):c.1022C>T (p.Thr341Met)

Gene: WDR26 (WD repeat domain 26; minus strand). Cytogenetic location: 1q42.12.
Variant type: single nucleotide variant.
Coding change: c.1022C>T on transcript NM_001379403.1 (MANE Select); coding-DNA position 1022, C replaced by T.
Protein change: p.Thr341Met; replaces threonine 341 with methionine.
Molecular consequence: missense variant.
Genome position (GRCh38, 1-based): chr1:224,424,560, G>A on the plus strand (C>T on the coding strand, the complement: WDR26 is on the minus strand). VCF-style: chr1-224424560-G-A. GRCh37 (hg19) VCF-style: chr1-224612262-G-A.
Other names: c.674C>T, p.Thr225Met (NM_001115113.3); c.722C>T, p.Thr241Met (NM_025160.7); short protein forms T341M, T241M, T225M.
Identifiers: ClinVar variation 1956518 (VCV001956518.5), dbSNP rs1401923084, ClinGen allele CA344751038.

ClinVar aggregate classification (germline): Uncertain significance (1 of 4 stars; one submission).

Allele frequency attached by ClinVar (database versions not stated): gnomAD exomes below 0.00001.
gnomAD v4.1: 3 of 1,614,050 alleles (0.00019%); highest among the groups gnomAD compares: Non-Finnish European, 0.00025%; no homozygotes.

Submission:

Labcorp Genetics (formerly Invitae), Labcorp
Classification: Uncertain significance. Last evaluated: 2022-03-11. Review status: criteria provided, single submitter. Criteria: Invitae Variant Classification Sherloc (09022015). Collection method: clinical testing. Allele origin: germline.
Comment: In summary, the available evidence is currently insufficient to determine the role of this variant in disease. Therefore, it has been classified as a Variant of Uncertain Significance. This sequence change replaces threonine, which is neutral and polar, with methionine, which is neutral and non-polar, at codon 241 of the WDR26 protein (p.Thr241Met). This variant is present in population databases (no rsID available, gnomAD 0.006%). This variant has not been reported in the literature in individuals affected with WDR26-related conditions. Algorithms developed to predict the effect of missense changes on protein structure and function are either unavailable or do not agree on the potential impact of this missense change (SIFT: "Tolerated"; PolyPhen-2: "Probably Damaging"; Align-GVGD: "Class C0").